The following is an entry in ClinVar:

NM_020964.3(EPG5):c.3313C>T (p.His1105Tyr)

Gene: EPG5 (ectopic P-granules 5 autophagy tethering factor; minus strand). Cytogenetic location: 18q21.1.
Variant type: single nucleotide variant.
Coding change: c.3313C>T on transcript NM_020964.3 (MANE Select); coding-DNA position 3313, C replaced by T.
Protein change: p.His1105Tyr; replaces histidine 1105 with tyrosine.
Molecular consequence: missense variant.
Genome position (GRCh38, 1-based): chr18:45,916,509, G>A on the plus strand (C>T on the coding strand, the complement: EPG5 is on the minus strand). VCF-style: chr18-45916509-G-A. GRCh37 (hg19) VCF-style: chr18-43496474-G-A.
Other names: short protein forms H1105Y.
Identifiers: ClinVar variation 712829 (VCV000712829.18), dbSNP rs200305944, ClinGen allele CA8949209.
Genomic context (GRCh38, chr18:45,916,509, plus strand): 5'-TGTTGAGAAGCTTCACGTTGTCCCCATGGCTGGCTCCTGTCAGGTGCTGTGCCACCTTGT[G>A]GGTGACCTGTTGTGTGACACCCTGAGGGACACCGCTGTCCAAGTGTAGGAACAAGAGGAG-3'
Protein context (NP_066015.2, residues 1095-1115): VPQGVTQQVT[His1105Tyr]KVAQHLTGAS

ClinVar aggregate classification (germline): Conflicting classifications of pathogenicity. Review status: criteria provided, conflicting classifications (1 of 4 stars). 5 submissions from 5 submitters: Uncertain significance (2); Likely benign (3). Last evaluated 2026-06-08.

Conditions:
Inborn genetic diseases. Identifiers: MedGen C0950123, MeSH D030342.
Vici syndrome (VICIS). Identifiers: Orphanet 1493, MedGen C1855772, MONDO:0009452, OMIM 242840.
EPG5-related disorder. Also called: EPG5-related condition. Identifiers: MedGen CN381528.

Allele frequency attached by ClinVar (database versions not stated): gnomAD exomes 0.00003 and 0.00007; ExAC 0.00009; 1000 Genomes Project 0.00020; 1000 Genomes Project 30x 0.00031; gnomAD 0.00034 and 0.00037; TOPMed 0.00048; ESP Exome Variant Server 0.00071.
gnomAD v4.1: 92 of 1,613,704 alleles (0.0057%); highest among the groups gnomAD compares: African/African-American, 0.1%; no homozygotes.

Submissions (5):

PreventionGenetics, part of Exact Sciences
Classification: Uncertain significance for EPG5-related condition. Last evaluated: 2026-06-08. Review status: criteria provided, single submitter. Criteria: ACMG Guidelines, 2015. Collection method: clinical testing. Allele origin: germline.
Comment: The EPG5 c.3313C>T variant is predicted to result in the amino acid substitution p.His1105Tyr. To our knowledge, this variant has not been reported in the literature. This variant is reported in 0.10% of alleles in individuals of African descent in gnomAD. Although we suspect that this variant may be benign, at this time, the clinical significance of this variant is uncertain due to the absence of conclusive functional and genetic evidence.

Labcorp Genetics (formerly Invitae), Labcorp
Classification: Likely benign for Vici syndrome. Last evaluated: 2025-12-31. Review status: criteria provided, single submitter. Criteria: Invitae Variant Classification Sherloc (09022015). Collection method: clinical testing. Allele origin: germline.

Blueprint Genetics
Classification: Likely benign. Last evaluated: 2024-10-18. Review status: criteria provided, single submitter. Criteria: ACMG Guidelines, 2015. Collection method: clinical testing. Allele origin: germline.

Ambry Genetics
Classification: Uncertain significance for Inborn genetic diseases. Last evaluated: 2024-01-23. Review status: criteria provided, single submitter. Criteria: Ambry Variant Classification Scheme 2023. Collection method: clinical testing. Allele origin: germline.

GeneDx
Classification: Likely benign. Last evaluated: 2019-04-26. Review status: criteria provided, single submitter. Criteria: GeneDx Variant Classification Process June 2021. Collection method: clinical testing. Allele origin: germline. Affected: yes.